The following is an entry in ClinVar:

ClinVar aggregate classification (germline): Pathogenic (1 of 4 stars; one submission).

Conditions:
Hermansky-Pudlak syndrome 3 (HPS3). Identifiers: Orphanet 231512, Orphanet 79430, MedGen C3888001, MONDO:0013555, OMIM 614072.

Submission:

Myriad Genetics, Inc.
Classification: Pathogenic for Hermansky-Pudlak syndrome 3. Last evaluated: 2024-05-14. Review status: criteria provided, single submitter. Criteria: Myriad Autosomal Dominant, Autosomal Recessive and X-Linked Classification Criteria (2023). Collection method: clinical testing. Allele origin: unknown.
Comment: NM_032383.3(HPS3):c.584del1ins15(V195Efs*15) is expected to be pathogenic in the context of Hermansky-Pudlak syndrome, HPS3-related. This variant is predicted to lead to an abnormal or absent protein product due to the creation of a premature termination codon in HPS3, a gene where loss-of-function variants are known to be pathogenic. Please note: this variant was assessed in the context of healthy population screening.

NM_032383.5(HPS3):c.584delinsAGAATTCCTCATTAA (p.Val195fs)

Gene: HPS3 (HPS3 biogenesis of lysosomal organelles complex 2 subunit 1; plus strand). Cytogenetic location: 3q24.
Variant type: Indel.
Coding change: c.584delinsAGAATTCCTCATTAA on transcript NM_032383.5 (MANE Select); coding-DNA position 584, T replaced by AGAATTCCTCATTAA.
Protein change: p.Val195fs; shifts the reading frame from valine 195.
Molecular consequence: frameshift variant. On other transcripts: intron variant (1).
Genome position (GRCh38, 1-based): chr3:149,140,370, T replaced by AGAATTCCTCATTAA. VCF-style: chr3-149140370-T-AGAATTCCTCATTAA. GRCh37 (hg19) VCF-style: chr3-148858157-T-AGAATTCCTCATTAA.
Other names: c.218-647delinsAGAATTCCTCATTAA (NM_001308258.2); short protein forms V195fs.
Identifiers: ClinVar variation 5010793 (VCV005010793.1).